The following is an entry in ClinVar:

ClinVar aggregate classification (germline): Uncertain significance (1 of 4 stars; one submission).

Submission:

Labcorp Genetics (formerly Invitae), Labcorp
Classification: Uncertain significance. Last evaluated: 2022-09-06. Review status: criteria provided, single submitter. Criteria: Invitae Variant Classification Sherloc (09022015). Collection method: clinical testing. Allele origin: germline.
Comment: This variant has not been reported in the literature in individuals affected with ANKH-related conditions. In summary, the available evidence is currently insufficient to determine the role of this variant in disease. Therefore, it has been classified as a Variant of Uncertain Significance. Algorithms developed to predict the effect of missense changes on protein structure and function are either unavailable or do not agree on the potential impact of this missense change (SIFT: "Deleterious"; PolyPhen-2: "Benign"; Align-GVGD: "Class C15"). ClinVar contains an entry for this variant (Variation ID: 1366655). This variant is not present in population databases (gnomAD no frequency). This sequence change replaces threonine, which is neutral and polar, with arginine, which is basic and polar, at codon 320 of the ANKH protein (p.Thr320Arg).

NM_054027.6(ANKH):c.959C>G (p.Thr320Arg)

Gene: ANKH (ANKH inorganic pyrophosphate transport regulator; minus strand). Cytogenetic location: 5p15.2.
Variant type: single nucleotide variant.
Coding change: c.959C>G on transcript NM_054027.6 (MANE Select); coding-DNA position 959, C replaced by G.
Protein change: p.Thr320Arg; replaces threonine 320 with arginine.
Molecular consequence: missense variant.
Genome position (GRCh38, 1-based): chr5:14,741,879, G>C on the plus strand (C>G on the coding strand, the complement: ANKH is on the minus strand). VCF-style: chr5-14741879-G-C. GRCh37 (hg19) VCF-style: chr5-14741988-G-C.
Other names: short protein forms T320R.
Identifiers: ClinVar variation 1366655 (VCV001366655.8), dbSNP rs755638254, ClinGen allele CA359245638.
Genomic context (GRCh38, chr5:14,741,879, plus strand): 5'-GTCCTTACCGTGAGTGACAGAGCCATGCAGACGAAGGTGAACTTCTTGATGTGGGCTGCC[G>C]TGACTGTGTTGCTCGTGCTCACCAGTTTGTTGCTGGGGTTATTCTGGGGAAAGAAAACCA-3'
Protein context (NP_473368.1, residues 310-330): NKLVSTSNTV[Thr320Arg]AAHIKKFTFV